The following is an entry in ClinVar:

NM_001005273.3(CHD3):c.719C>A (p.Pro240His)

Gene: CHD3 (chromodomain helicase DNA binding protein 3; plus strand). Cytogenetic location: 17p13.1.
Variant type: single nucleotide variant.
Coding change: c.719C>A on transcript NM_001005273.3 (MANE Select); coding-DNA position 719, C replaced by A.
Protein change: p.Pro240His; replaces proline 240 with histidine.
Molecular consequence: missense variant.
Genome position (GRCh38, 1-based): chr17:7,893,495, C>A. VCF-style: chr17-7893495-C-A. GRCh37 (hg19) VCF-style: chr17-7796813-C-A.
Other names: c.896C>A, p.Pro299His (NM_001005271.3); c.719C>A, p.Pro240His (NM_005852.4); short protein forms P240H, P299H.
Identifiers: ClinVar variation 3362367 (VCV003362367.3).

ClinVar aggregate classification (germline): Uncertain significance (1 of 4 stars; one submission).

Conditions:
Snijders Blok-Campeau syndrome. Also called: INTELLECTUAL DEVELOPMENTAL DISORDER WITH MACROCEPHALY, SPEECH DELAY, AND DYSMORPHIC FACIES. Identifiers: Orphanet 599082, MedGen C4748701, MONDO:0032600, OMIM 618205.

Submission:

Neuberg Centre For Genomic Medicine, NCGM
Classification: Uncertain significance for Snijders Blok-Campeau syndrome. Last evaluated: 2023-05-20. Review status: criteria provided, single submitter. Criteria: ACMG Guidelines, 2015. Collection method: clinical testing. Allele origin: germline. Inheritance: Autosomal dominant inheritance. Affected: yes.
Comment: The observed missense c.719C>A(p.Pro240His) variant in CHD3 gene has not been reported previously as a pathogenic variant nor as a benign variant, to our knowledge. This variant is absent in gnomAD Exomes. The amino acid Pro at position 240 is changed to a His changing protein sequence and it might alter its composition and physico-chemical properties. The amino acid change p.Pro240His in CHD3 is predicted as conserved by GERP++ and PhyloP across 100 vertebrates. Multiple lines of computational evidence (Polyphen - Damaging, SIFT - Damaging, and MutationTaster - Disease causing) predict a damaging effect on protein structure and function for this variant. For these reasons, this variant has been classified as Uncertain Significance.